The following is an entry in ClinVar:

NM_172107.4(KCNQ2):c.1910T>G (p.Leu637Arg)

Gene: KCNQ2 (potassium voltage-gated channel subfamily Q member 2; minus strand). Cytogenetic location: 20q13.33.
Variant type: single nucleotide variant.
Coding change: c.1910T>G on transcript NM_172107.4 (MANE Select); coding-DNA position 1910, T replaced by G.
Protein change: p.Leu637Arg; replaces leucine 637 with arginine.
Molecular consequence: missense variant.
Genome position (GRCh38, 1-based): chr20:63,407,353, A>C on the plus strand (T>G on the coding strand, the complement: KCNQ2 is on the minus strand). VCF-style: chr20-63407353-A-C. GRCh37 (hg19) VCF-style: chr20-62038706-A-C.
Other names: c.1826T>G, p.Leu609Arg (NM_004518.6); c.1856T>G, p.Leu619Arg (NM_172106.3); c.1817T>G, p.Leu606Arg (NM_172108.5); short protein forms L637R, L609R, L619R, L606R.
Identifiers: ClinVar variation 21771 (VCV000021771.5), dbSNP rs118192240, ClinGen allele CA342478.

ClinVar aggregate classification (germline): not provided (0 of 4 stars; one submission).

Conditions:
Seizures, benign familial neonatal, 1. Also called: Benign Neonatal Epilepsy 1; KCNQ2-Related Benign Familial Neonatal Epilepsy; KCNQ2-Related Self-Limited Familial Neonatal Epilepsy (SLFNE); Seizures, benign neonatal, 1. Identifiers: Orphanet 1949, MedGen C3149074, MONDO:0007365, OMIM 121200.

Submissions (7):

Channelopathy-Associated Epilepsy Research Center
No classification provided (evidence only). Condition: Complex neurodevelopmental disorder. Review status: no classification provided. Collection method: literature only. Allele origin: not applicable. Functional consequence: Severe decrease in peak current, Moderate slowing of activation, Mild depolarizing shift of voltage dependence of activation. Not counted in ClinVar's aggregate classification.
ClinVar note: "not provided" was previously submitted as the classification for the variant. However, the classification appeared to be based only on an observation of functional data so it was converted to no classification on 2025-07-30.

Channelopathy-Associated Epilepsy Research Center
No classification provided (evidence only). Review status: no classification provided. Collection method: in vitro. Allele origin: not applicable. Functional consequence: Decrease in peak current. Not counted in ClinVar's aggregate classification.

Channelopathy-Associated Epilepsy Research Center
No classification provided (evidence only). Review status: no classification provided. Collection method: in vitro. Allele origin: not applicable. Functional consequence: Decrease in peak current. Not counted in ClinVar's aggregate classification.

Channelopathy-Associated Epilepsy Research Center
No classification provided (evidence only). Review status: no classification provided. Collection method: in vitro. Allele origin: not applicable. Functional consequence: Normal voltage dependence of activation. Not counted in ClinVar's aggregate classification.

Channelopathy-Associated Epilepsy Research Center
No classification provided (evidence only). Review status: no classification provided. Collection method: in vitro. Allele origin: not applicable. Functional consequence: Normal slope of activation. Not counted in ClinVar's aggregate classification.

Channelopathy-Associated Epilepsy Research Center
No classification provided (evidence only). Review status: no classification provided. Collection method: in vitro. Allele origin: not applicable. Functional consequence: Normal rate of activation. Not counted in ClinVar's aggregate classification.

GeneReviews
No classification provided. Condition: Seizures, benign familial neonatal, 1. Review status: no classification provided. Collection method: literature only. Allele origin: germline. Affected: yes.
Comment: BFNE (benign familial neonatal epilepsy)

Functional effect: Increased interaction with CaM

Literature cited by the submitters: PubMed 35104249 (cited by Channelopathy-Associated Epilepsy Research Center); PubMed 14985406 (cited by GeneReviews); PubMed 25982755 (cited by GeneReviews); NCBI Bookshelf NBK32534 (cited by GeneReviews).